The following is an entry in ClinVar:

ClinVar aggregate classification (germline): Likely benign (0 of 4 stars; one submission).

Conditions:
PRKG2-related disorder. Also called: PRKG2-related condition.

Allele frequency attached by ClinVar (database versions not stated): ExAC 0.00001.
gnomAD v4.1: 22 of 1,610,092 alleles (0.0014%); highest among the groups gnomAD compares: Non-Finnish European, 0.0018%; no homozygotes.

Submission:

PreventionGenetics, part of Exact Sciences
Classification: Likely benign for PRKG2-related condition. Last evaluated: 2019-06-27. Review status: no assertion criteria provided. Collection method: clinical testing. Allele origin: germline.
Comment: This variant is classified as likely benign based on ACMG/AMP sequence variant interpretation guidelines (Richards et al. 2015 PMID: 25741868, with internal and published modifications).

NM_006259.3(PRKG2):c.1173C>T (p.Val391=)

Gene: PRKG2 (protein kinase cGMP-dependent 2; minus strand). Cytogenetic location: 4q21.21.
Variant type: single nucleotide variant.
Coding change: c.1173C>T on transcript NM_006259.3 (MANE Select); coding-DNA position 1173, C replaced by T.
Protein change: p.Val391=; no amino-acid change (valine 391 retained).
Molecular consequence: synonymous variant. On other transcripts: 5 prime UTR variant (4).
Genome position (GRCh38, 1-based): chr4:81,144,312, G>A on the plus strand (C>T on the coding strand, the complement: PRKG2 is on the minus strand). VCF-style: chr4-81144312-G-A. GRCh37 (hg19) VCF-style: chr4-82065466-G-A.
Other names: c.-88C>T (NM_001282480.1, NM_001282481.1, NM_001282482.1); c.-245C>T (NM_001282483.1); c.1173C>T, p.Val391= (NM_001282485.2, NM_001363401.2).
Identifiers: ClinVar variation 3043024 (VCV003043024.2), dbSNP rs748041886, ClinGen allele CA2983753.